The following is an entry in ClinVar:

ClinVar aggregate classification (germline): Pathogenic (1 of 4 stars; one submission).

Submission:

GeneDx
Classification: Pathogenic. Last evaluated: 2024-11-19. Review status: criteria provided, single submitter. Criteria: GeneDx Variant Classification Process June 2021. Collection method: clinical testing. Allele origin: germline. Affected: yes.
Comment: Frameshift variant predicted to result in protein truncation or nonsense mediated decay in a gene for which loss of function is a known mechanism of disease; Not observed at significant frequency in large population cohorts (gnomAD); Has not been previously published as pathogenic or benign to our knowledge

NM_016219.5(MAN1B1):c.297_301del (p.Phe100fs)

Gene: MAN1B1 (mannosidase alpha class 1B member 1; plus strand). Cytogenetic location: 9q34.3.
Variant type: Deletion.
Coding change: c.297_301del on transcript NM_016219.5 (MANE Select); coding-DNA positions 297 to 301, 5 bases deleted (CTTCT; older notation c.297_301delCTTCT).
Protein change: p.Phe100fs; shifts the reading frame from phenylalanine 100.
Molecular consequence: frameshift variant. On other transcripts: non-coding transcript variant (2).
Genome position (GRCh38, 1-based): chr9:137,088,152-137,088,156, CTTCT deleted; deleting any 5 consecutive bases within chr9:137,088,150-137,088,156 gives the same sequence; the c. name uses the placement nearest the transcript's 3' end. VCF-style (leftmost placement, unchanged base first): chr9-137088149-CCTCTT-C. GRCh37 (hg19) VCF-style: chr9-139982601-CCTCTT-C.
Other names: short protein forms F100fs.
Identifiers: ClinVar variation 3899468 (VCV003899468.1).
Genomic context (GRCh38, chr9:137,088,149, plus strand): 5'-GTCGAGATTGCAGCGGAATATGATTCTCTTCCTCCTTGCCTTTCTGCTTTTCTGTGGACT[CCTCTT>C]CTACATCAACTTGGCTGACCATTGGAAAGGTATCAGAAACACGTGTACTTGAAAACGATA-3'